The following is an entry in ClinVar:

NM_018946.4(NANS):c.10GAGCTG[1] (p.4EL[1])

Genes: NANS (N-acetylneuraminate synthase; plus strand), TRIM14 (tripartite motif containing 14; minus strand), LOC130002203 (ATAC-STARR-seq lymphoblastoid silent region 20112; plus strand). Cytogenetic location: 9q22.33.
Variant type: Microsatellite.
Coding change: c.10GAGCTG[1] on transcript NM_018946.4 (MANE Select); one copy of the 6-base unit GAGCTG starting at c.10; the reference has two copies in a row; one copy, 6 bases deleted; also written c.16_21del.
Protein change: p.4EL[1].
Molecular consequence: inframe deletion.
Genome position (GRCh38, 1-based): chr9:98,056,824-98,056,829, GAGCTG deleted; deleting any 6 consecutive bases within chr9:98,056,814-98,056,829 gives the same sequence; the position shown is the placement nearest the transcript's 3' end. VCF-style (leftmost placement, unchanged base first): chr9-98056813-CGCTGGA-C. GRCh37 (hg19) VCF-style: chr9-100819095-CGCTGGA-C.
Other names: c.16_21del (NM_018946.4).
Identifiers: ClinVar variation 2182027 (VCV002182027.5), dbSNP rs776860726, ClinGen allele CA5150144.

ClinVar aggregate classification (germline): Uncertain significance. Review status: criteria provided, multiple submitters, no conflicts (2 of 4 stars). 3 submissions from 3 submitters: Uncertain significance (3). Last evaluated 2024-03-29.

Conditions:
Inborn genetic diseases. Identifiers: MedGen C0950123, MeSH D030342.
Spondyloepimetaphyseal dysplasia, Genevieve type. Also called: SEMD Genevieve type; NANS DEFICIENCY. Identifiers: Orphanet 168454, MedGen C1864872, MONDO:0012495, OMIM 610442.

Submissions (3):

Genomic Medicine Center of Excellence, King Faisal Specialist Hospital and Research Centre
Classification: Uncertain significance for Spondyloepimetaphyseal dysplasia, Genevieve type. Last evaluated: 2024-03-29. Review status: criteria provided, single submitter. Criteria: ACMG Guidelines, 2015. Collection method: clinical testing. Allele origin: germline.

Labcorp Genetics (formerly Invitae), Labcorp
Classification: Uncertain significance. Last evaluated: 2022-04-01. Review status: criteria provided, single submitter. Criteria: Invitae Variant Classification Sherloc (09022015). Collection method: clinical testing. Allele origin: germline.
Comment: This variant, c.16_21del, results in the deletion of 2 amino acid(s) of the NANS protein (p.Glu6_Leu7del), but otherwise preserves the integrity of the reading frame. This variant is present in population databases (rs776860726, gnomAD 0.03%). This variant has not been reported in the literature in individuals affected with NANS-related conditions. Experimental studies and prediction algorithms are not available or were not evaluated, and the functional significance of this variant is currently unknown. In summary, the available evidence is currently insufficient to determine the role of this variant in disease. Therefore, it has been classified as a Variant of Uncertain Significance.

Ambry Genetics
Classification: Uncertain significance for Inborn genetic diseases. Last evaluated: 2022-03-10. Review status: criteria provided, single submitter. Criteria: Ambry Variant Classification Scheme 2023. Collection method: clinical testing. Allele origin: germline.
Comment: The c.16_21delGAGCTG (p.E6_L7del) alteration is located in exon 1 (coding exon 1) of the NANS gene. This alteration consists of an in-frame deletion of 6 nucleotides between nucleotide positions c.16 and c.21, resulting in the deletion of <NA> residues. Based on insufficient or conflicting evidence, the clinical significance of this alteration remains unclear.